The following is an entry in ClinVar:

NM_001365951.3(KIF1B):c.3109G>A (p.Asp1037Asn)

Gene: KIF1B (kinesin family member 1B; plus strand). Cytogenetic location: 1p36.22.
Variant type: single nucleotide variant.
Coding change: c.3109G>A on transcript NM_001365951.3 (MANE Select); coding-DNA position 3109, G replaced by A.
Protein change: p.Asp1037Asn; replaces aspartic acid 1037 with asparagine.
Molecular consequence: missense variant.
Genome position (GRCh38, 1-based): chr1:10,336,722, G>A. VCF-style: chr1-10336722-G-A. GRCh37 (hg19) VCF-style: chr1-10396780-G-A.
Other names: c.3109G>A, p.Asp1037Asn (NM_001365952.1); c.2971G>A, p.Asp991Asn (NM_015074.3); short protein forms D1037N, D991N.
Identifiers: ClinVar variation 1798291 (VCV001798291.3), dbSNP rs1652195367, ClinGen allele CA338339434.

ClinVar aggregate classification (germline): Uncertain significance (1 of 4 stars; one submission).

Allele frequency attached by ClinVar (database versions not stated): TOPMed below 0.00001; gnomAD 0.00001.
gnomAD v4.1: 1 of 1,613,086 alleles (0.000062%); highest among the groups gnomAD compares: Non-Finnish European, 0.000085%; no homozygotes.

Submission:

Ambry Genetics
Classification: Uncertain significance. Last evaluated: 2025-08-01. Review status: criteria provided, single submitter. Criteria: Ambry Variant Classification Scheme 2023. Collection method: clinical testing. Allele origin: germline.
Comment: The p.D991N variant (also known as c.2971G>A), located in coding exon 26 of the KIF1B gene, results from a G to A substitution at nucleotide position 2971. The aspartic acid at codon 991 is replaced by asparagine, an amino acid with highly similar properties. This amino acid position is highly conserved in available vertebrate species. In addition, this alteration is predicted to be tolerated by in silico analysis. Since supporting evidence is limited at this time, the clinical significance of this alteration remains unclear.